The following is an entry in ClinVar:

ClinVar aggregate classification (germline): Uncertain significance. Review status: criteria provided, multiple submitters, no conflicts (2 of 4 stars). 2 submissions from 2 submitters: Uncertain significance (2). Last evaluated 2024-05-02.

Conditions:
Multiple endocrine neoplasia, type 2 (MEN2). Identifiers: Orphanet 653, MedGen C4048306, MONDO:0019003. Disease mechanism: gain of function.
Hereditary cancer-predisposing syndrome. Also called: Hereditary Cancer Syndrome; Tumor predisposition; Hereditary neoplastic syndrome; Neoplastic Syndromes, Hereditary. Identifiers: Orphanet 140162, MedGen C0027672, MeSH D009386, MONDO:0015356.

Submissions (2):

Labcorp Genetics (formerly Invitae), Labcorp
Classification: Uncertain significance for Multiple endocrine neoplasia, type 2. Last evaluated: 2024-05-02. Review status: criteria provided, single submitter. Criteria: Invitae Variant Classification Sherloc (09022015). Collection method: clinical testing. Allele origin: germline.
Comment: This sequence change replaces glutamic acid, which is acidic and polar, with valine, which is neutral and non-polar, at codon 38 of the RET protein (p.Glu38Val). This variant is not present in population databases (gnomAD no frequency). This variant has not been reported in the literature in individuals affected with RET-related conditions. ClinVar contains an entry for this variant (Variation ID: 647519). An algorithm developed to predict the effect of missense changes on protein structure and function (PolyPhen-2) suggests that this variant is likely to be disruptive. In summary, the available evidence is currently insufficient to determine the role of this variant in disease. Therefore, it has been classified as a Variant of Uncertain Significance.

Ambry Genetics
Classification: Uncertain significance for Hereditary cancer-predisposing syndrome. Last evaluated: 2024-04-04. Review status: criteria provided, single submitter. Criteria: Ambry Variant Classification Scheme 2023. Collection method: clinical testing. Allele origin: germline.
Comment: The p.E38V variant (also known as c.113A>T), located in coding exon 2 of the RET gene, results from an A to T substitution at nucleotide position 113. The glutamic acid at codon 38 is replaced by valine, an amino acid with dissimilar properties. This amino acid position is conserved. In addition, the in silico prediction for this alteration is inconclusive. Based on the available evidence, the clinical significance of this variant remains unclear.

NM_020975.6(RET):c.113A>T (p.Glu38Val)

Gene: RET (ret proto-oncogene; plus strand). Cytogenetic location: 10q11.21.
Variant type: single nucleotide variant.
Coding change: c.113A>T on transcript NM_020975.6 (MANE Select); coding-DNA position 113, A replaced by T.
Protein change: p.Glu38Val; replaces glutamic acid 38 with valine.
Molecular consequence: missense variant.
Genome position (GRCh38, 1-based): chr10:43,100,498, A>T. VCF-style: chr10-43100498-A-T. GRCh37 (hg19) VCF-style: chr10-43595946-A-T.
Other names: c.113A>T, p.Glu38Val (NM_000323.2, NM_001406743.1, NM_001406744.1 and 34 more transcripts); short protein forms E38V.
Identifiers: ClinVar variation 647519 (VCV000647519.10), dbSNP rs1588862401, ClinGen allele CA376770120.